The following is an entry in ClinVar:

NM_005518.4(HMGCS2):c.714G>A (p.Val238=)

Gene: HMGCS2 (3-hydroxy-3-methylglutaryl-CoA synthase 2; minus strand). Cytogenetic location: 1p12.
Variant type: single nucleotide variant.
Coding change: c.714G>A on transcript NM_005518.4 (MANE Select); coding-DNA position 714, G replaced by A.
Protein change: p.Val238=; no amino-acid change (valine 238 retained).
Molecular consequence: synonymous variant.
Genome position (GRCh38, 1-based): chr1:119,759,254, C>T on the plus strand (G>A on the coding strand, the complement: HMGCS2 is on the minus strand). VCF-style: chr1-119759254-C-T. GRCh37 (hg19) VCF-style: chr1-120301877-C-T.
Other names: c.588G>A, p.Val196= (NM_001166107.1).
Identifiers: ClinVar variation 1097783 (VCV001097783.14), dbSNP rs1419921025, ClinGen allele CA420025268.

ClinVar aggregate classification (germline): Likely benign. Review status: criteria provided, multiple submitters, no conflicts (2 of 4 stars). 2 submissions from 2 submitters: Likely benign (2). Last evaluated 2025-12-01.

Conditions:
3-hydroxy-3-methylglutaryl-CoA synthase deficiency (HMGCS2D). Also called: HMGCS2 DEFICIENCY; HMG-CoA synthase-2 deficiency; MITOCHONDRIAL HMG-CoA SYNTHASE DEFICIENCY. Identifiers: Orphanet 35701, MedGen C2751532, MONDO:0011614, OMIM 605911.

Allele frequency attached by ClinVar (database versions not stated): gnomAD exomes below 0.00001 and 0.00001; gnomAD 0.00001; TOPMed 0.00001.
gnomAD v4.1: 7 of 1,613,908 alleles (0.00043%); highest among the groups gnomAD compares: Non-Finnish European, 0.00051%; no homozygotes.

Submissions (2):

CeGaT Center for Human Genetics Tuebingen
Classification: Likely benign. Last evaluated: 2025-12-01. Review status: criteria provided, single submitter. Criteria: CeGaT Center For Human Genetics Tuebingen Variant Classification Criteria Version 2. Collection method: clinical testing. Allele origin: germline. Affected: yes. Observed: 1 variant allele.
Comment: HMGCS2: BP4, BP7

Labcorp Genetics (formerly Invitae), Labcorp
Classification: Likely benign for 3-hydroxy-3-methylglutaryl-CoA synthase deficiency. Last evaluated: 2023-04-24. Review status: criteria provided, single submitter. Criteria: Invitae Variant Classification Sherloc (09022015). Collection method: clinical testing. Allele origin: germline.